The following is an entry in ClinVar:

ClinVar aggregate classification (germline): Pathogenic/Likely pathogenic. Review status: criteria provided, multiple submitters, no conflicts (2 of 4 stars). 5 submissions from 5 submitters: Pathogenic (4); Likely pathogenic (1). Last evaluated 2026-04-28.

Conditions:
TCTN3-related disorder. Also called: TCTN3-related condition.
Joubert syndrome and related disorders. Identifiers: Orphanet 140874, MedGen C5679612, MONDO:0015369.
Joubert syndrome 18 (JBTS18). Identifiers: Orphanet 2754, MedGen C3553758, MONDO:0013896, OMIM 614815.
Orofacial-digital syndrome IV (OFD4). Also called: BARAITSER-BURN SYNDROME; Orofaciodigital syndrome IV; MOHR-MAJEWSKI SYNDROME; OFD SYNDROME WITH TIBIAL DEFECTS; OFD SYNDROME, BARAITSER-BURN TYPE; OFDS IV. Identifiers: Orphanet 2753, MedGen C0406727, MONDO:0009794, OMIM 258860.

Allele frequency attached by ClinVar (database versions not stated): gnomAD 0.00001; TOPMed 0.00003; ExAC 0.00004; gnomAD exomes 0.00005.
gnomAD v4.1: 28 of 1,613,884 alleles (0.0017%); highest among the groups gnomAD compares: Middle Eastern, 0.016%; no homozygotes.

Submissions (5):

Women's Health and Genetics/Laboratory Corporation of America, LabCorp
Classification: Pathogenic for Joubert syndrome and related disorders. Last evaluated: 2026-04-28. Review status: criteria provided, single submitter. Criteria: LabCorp Variant Classification Summary - May 2015. Collection method: clinical testing. Allele origin: germline.
Comment: Variant summary: TCTN3 c.877C>T (p.Gln293X) results in a premature termination codon, predicted to cause a truncation of the encoded protein or absence of the protein due to nonsense mediated decay, which are commonly known mechanisms for disease. The variant allele was found at a frequency of 4.8e-05 in 251270 control chromosomes. This frequency is not significantly higher than estimated for disease-causing variants in TCTN3, allowing no conclusion about variant significance. To our knowledge, no occurrence of c.877C>T in individuals affected with TCTN3-related conditions and no experimental evidence demonstrating its impact on protein function have been reported. ClinVar contains an entry for this variant (Variation ID: 208618). Based on the evidence outlined above, the variant was classified as pathogenic.

Labcorp Genetics (formerly Invitae), Labcorp
Classification: Pathogenic for Joubert syndrome 18; Orofacial-digital syndrome IV. Last evaluated: 2025-11-24. Review status: criteria provided, single submitter. Criteria: Invitae Variant Classification Sherloc (09022015). Collection method: clinical testing. Allele origin: germline.
Comment: This sequence change creates a premature translational stop signal (p.Gln293*) in the TCTN3 gene. It is expected to result in an absent or disrupted protein product. Loss-of-function variants in TCTN3 are known to be pathogenic (PMID: 2692869, 22883145, 25118024). This variant is present in population databases (rs764091969, gnomAD 0.1%). This variant has not been reported in the literature in individuals affected with TCTN3-related conditions. ClinVar contains an entry for this variant (Variation ID: 208618). Algorithms developed to predict the effect of sequence changes on RNA splicing suggest that this variant may disrupt the consensus splice site. For these reasons, this variant has been classified as Pathogenic.

Fulgent Genetics
Classification: Likely pathogenic for Orofacial-digital syndrome IV; Joubert syndrome 18. Last evaluated: 2024-06-15. Review status: criteria provided, single submitter. Criteria: ACMG Guidelines, 2015. Collection method: clinical testing. Allele origin: germline.

Blueprint Genetics
Classification: Pathogenic for TCTN3-related disorders. Last evaluated: 2022-09-08. Review status: criteria provided, single submitter. Criteria: ACMG Guidelines, 2015. Collection method: clinical testing. Allele origin: germline. Affected: yes. Observed: 1 variant allele.

Laboratory for Molecular Medicine, Mass General Brigham Personalized Medicine
Classification: Pathogenic for Orofacial-digital syndrome IV. Last evaluated: 2014-08-22. Review status: criteria provided, single submitter. Criteria: LMM Criteria. Collection method: clinical testing. Allele origin: germline. Inheritance: Autosomal recessive inheritance. Observed: 1 variant allele. Study: CSER-MedSeq.
Comment: The Gln293X variant in TCTN3 has not been previously reported in individuals with disease or in large population studies. This nonsense variant leads to a premature termination codon at position 293, which is predicted to lead to a truncated or absent protein. Nonsense and other loss-of-function variants in TCTN3 have been associated with autosomal recessive orofaciodigital syndrome type IV (Thomas 2012). In summary, the Gln293X variant meets our criteria to be classified as pathogenic for orofaciodigital syndrome 4 in an recessive manner.

Literature cited by the submitters: PubMed 2692869 (cited by Labcorp Genetics (formerly Invitae), Labcorp); PubMed 22883145 (cited by Labcorp Genetics (formerly Invitae), Labcorp and Laboratory for Molecular Medicine, Mass General Brigham Personalized Medicine); PubMed 25118024 (cited by Labcorp Genetics (formerly Invitae), Labcorp).

NM_015631.6(TCTN3):c.877C>T (p.Gln293Ter)

Gene: TCTN3 (tectonic family member 3; minus strand). Cytogenetic location: 10q24.1.
Variant type: single nucleotide variant.
Coding change: c.877C>T on transcript NM_015631.6 (MANE Select); coding-DNA position 877, C replaced by T.
Protein change: p.Gln293Ter; replaces glutamine 293 with a stop codon.
Molecular consequence: nonsense.
Genome position (GRCh38, 1-based): chr10:95,686,506, G>A on the plus strand (C>T on the coding strand, the complement: TCTN3 is on the minus strand). VCF-style: chr10-95686506-G-A. GRCh37 (hg19) VCF-style: chr10-97446263-G-A.
Other names: c.640C>T, p.Gln214Ter (NM_001143973.2); short protein forms Q293*, Q214*.
Identifiers: ClinVar variation 208618 (VCV000208618.11), dbSNP rs764091969, ClinGen allele CA204583.